The following is an entry in ClinVar:

ClinVar aggregate classification (germline): Benign. Review status: reviewed by expert panel (3 of 4 stars). 3 submissions from 3 submitters: Benign (1). 2 of the submissions do not count toward it. Last evaluated 2025-09-07.

Conditions:
RPGR-related retinopathy. Also called: RPGR retinopathy. Identifiers: MedGen CN305589, MONDO:0100437.
Primary ciliary dyskinesia. Also called: Ciliary dyskinesia. Identifiers: Orphanet 244, MedGen C0008780, MONDO:0016575, HP:0012265.

Allele frequency attached by ClinVar (database versions not stated): TOPMed 0.00001; gnomAD 0.00002; gnomAD exomes 0.00002; ExAC 0.00003.
gnomAD v4.1: 28 of 1,208,937 alleles (0.0023%); highest among the groups gnomAD compares: Non-Finnish European, 0.00011%; no homozygotes.

Submissions (3):

ClinGen X-linked Inherited Retinal Disease Variant Curation Expert Panel, ClinGen
Classification: Benign for RPGR-related retinopathy. Last evaluated: 2025-09-07. Review status: reviewed by expert panel. Criteria: ClinGen X LinkedIRD ACMG Specifications RPGR V1.0.0. Collection method: curation. Allele origin: germline. Inheritance: X-linked inheritance.
Comment: NM_001034853.2(RPGR):c.3293G>A (p.Gly1098Asp) is a missense variant causing substitution of glycine by aspartic acid at amino acid 1098. This variant is present in gnomAD v4.1.0 at a frequency of 0.00002270 among hemizygous individuals, with 9 variant alleles / 396,549 total alleles, which is higher than the ClinGen X-linked IRD VCEP BS1 threshold of >0.000005 (BS1). The computational predictor REVEL gives a score of 0.012, which is below the ClinGen X-linked IRD VCEP threshold of < 0.016 and predicts a non-damaging effect on RPGR function. Additionally, the splicing impact predictor SpliceAI gives a delta score of 0.00, which is below the ClinGen X-linked IRD VCEP recommended threshold of <0.1 and does not strongly predict an impact on splicing (BP4_Strong). In summary, this variant is classified as benign for RPGR-related retinopathy based on the ClinGen X-linked Inherited Retinal Disease Expert Panel Specifications to the ACMG/AMP Variant Interpretation Guidelines for RPGR Version 1.0.0; BS1 and BP4_Strong.

Labcorp Genetics (formerly Invitae), Labcorp
Classification: Benign for Primary ciliary dyskinesia. Last evaluated: 2026-01-02. Review status: criteria provided, single submitter. Criteria: Invitae Variant Classification Sherloc (09022015). Collection method: clinical testing. Allele origin: germline. Not counted in ClinVar's aggregate classification.

Blueprint Genetics
Classification: Likely benign. Last evaluated: 2023-06-30. Review status: criteria provided, single submitter. Criteria: ACMG Guidelines, 2015. Collection method: clinical testing. Allele origin: germline. Not counted in ClinVar's aggregate classification.

NM_001034853.2(RPGR):c.3293G>A (p.Gly1098Asp)

Gene: RPGR (retinitis pigmentosa GTPase regulator; minus strand). Cytogenetic location: Xp11.4.
Variant type: single nucleotide variant.
Coding change: c.3293G>A on transcript NM_001034853.2 (MANE Select); coding-DNA position 3293, G replaced by A.
Protein change: p.Gly1098Asp; replaces glycine 1098 with aspartic acid.
Molecular consequence: missense variant. On other transcripts: intron variant (8).
Genome position (GRCh38, 1-based): chrX:38,285,706, C>T on the plus strand (G>A on the coding strand, the complement: RPGR is on the minus strand). VCF-style: chrX-38285706-C-T. GRCh37 (hg19) VCF-style: chrX-38144959-C-T.
Other names: NM_001034853.2(RPGR):c.3293G>A; p.Gly1098Asp; c.1569+5253G>A (NM_001367249.1, NM_001367250.1); c.1902+1388G>A (NM_001367245.1); c.1386+5253G>A (NM_001367251.1); c.1719+1388G>A (NM_001367246.1); c.1572+5253G>A (NM_001367247.1); c.1905+1388G>A (NM_000328.3); and 1 more; short protein forms G1098D.
Identifiers: ClinVar variation 2153133 (VCV002153133.6), dbSNP rs764205212, ClinGen allele CA10385163.
Genomic context (GRCh38, chrX:38,285,706, plus strand): 5'-TGCTCTTTCCCATTTCCCTGTGTGTTAGTAACTGACTTTTTTTGATATGTTTTATGTTTG[C>T]CATATTTCACAGATCCTTTTATTTTGCTCACTTTTTTGTACTCCTCTCCATCCTGCCTTT-3'
Protein context (NP_001030025.1, residues 1088-1108): VSKIKGSVKY[Gly1098Asp]KHKTYQKKSV